The following is an entry in ClinVar:

ClinVar aggregate classification (germline): Benign/Likely benign (0 of 4 stars; one submission).

Submission:

GeneDx
Classification: Benign/Likely benign. Last evaluated: 2011-04-30. Review status: no assertion criteria provided. Collection method: clinical testing. Allele origin: not provided. Affected: yes. Observed: 3 variant alleles. Clinical features observed: Developmental delay AND/OR other significant developmental or morphological phenotypes, Autism (HP:0000717).
Comment: Likely benign (1), Benign (2)

GRCh38/hg38 21q22.12(chr21:36125853-36227968)x3

Genes: CBR1-AS1 (CBR1 antisense RNA 1; minus strand), CBR3 (carbonyl reductase 3; plus strand), CBR3-AS1 (CBR3 antisense RNA 1; minus strand), DOP1B (DOP1 leucine zipper like protein B; plus strand), LOC125418070 (Sharpr-MPRA regulatory region 3517; plus strand) and 1 more. Cytogenetic location: 21q22.12.
Variant type: copy number gain.
Change: copy number 3 (three copies instead of two) of chr21:36,125,853-36,227,968 (102.1 kb, GRCh38 coordinates, 1-based), cytogenetic band 21q22.12.
Identifiers: ClinVar variation 145108 (VCV000145108.1).